The following is an entry in ClinVar:

ClinVar aggregate classification (germline): Uncertain significance (0 of 4 stars; one submission).

Conditions:
ALMS1-related disorder. Also called: ALMS1-related condition.

Submission:

PreventionGenetics, part of Exact Sciences
Classification: Uncertain significance for ALMS1-related condition. Last evaluated: 2024-03-12. Review status: no assertion criteria provided. Collection method: clinical testing. Allele origin: germline.
Comment: The ALMS1 c.2290T>C variant is predicted to result in the amino acid substitution p.Ser764Pro. To our knowledge, this variant has not been reported in the literature. This variant is reported in 0.0039% of alleles in individuals of European (Non-Finnish) descent in gnomAD. At this time, the clinical significance of this variant is uncertain due to the absence of conclusive functional and genetic evidence.

NM_001378454.1(ALMS1):c.2287T>C (p.Ser763Pro)

Gene: ALMS1 (ALMS1 centrosome and basal body associated protein; plus strand). Cytogenetic location: 2p13.1.
Variant type: single nucleotide variant.
Coding change: c.2287T>C on transcript NM_001378454.1 (MANE Select); coding-DNA position 2287, T replaced by C.
Protein change: p.Ser763Pro; replaces serine 763 with proline.
Molecular consequence: missense variant.
Genome position (GRCh38, 1-based): chr2:73,448,814, T>C. VCF-style: chr2-73448814-T-C. GRCh37 (hg19) VCF-style: chr2-73675941-T-C.
Other names: c.2290T>C, p.Ser764Pro (NM_015120.4); short protein forms S763P, S764P.
Identifiers: ClinVar variation 3350647 (VCV003350647.1).